The following is an entry in ClinVar:

NM_013352.4(DSE):c.2647G>A (p.Ala883Thr)

Gene: DSE (dermatan sulfate epimerase; plus strand). Cytogenetic location: 6q22.1.
Variant type: single nucleotide variant.
Coding change: c.2647G>A on transcript NM_013352.4 (MANE Select); coding-DNA position 2647, G replaced by A.
Protein change: p.Ala883Thr; replaces alanine 883 with threonine.
Molecular consequence: missense variant. On other transcripts: 3 prime UTR variant (2), non-coding transcript variant (1).
Genome position (GRCh38, 1-based): chr6:116,437,115, G>A. VCF-style: chr6-116437115-G-A. GRCh37 (hg19) VCF-style: chr6-116758278-G-A.
Other names: p.Ala883Thr; c.2647G>A, p.Ala883Thr (NM_001080976.3, NM_001322937.2, NM_001322938.2); c.2704G>A, p.Ala902Thr (NM_001322939.2); c.2086G>A, p.Ala696Thr (NM_001322940.2, NM_001322941.2); c.*1512G>A (NM_001322943.2, NM_001322944.2); c.1648G>A, p.Ala550Thr (NM_001374520.1); c.1612G>A, p.Ala538Thr (NM_001374521.1); short protein forms A550T, A696T, A883T, A538T, A902T.
Identifiers: ClinVar variation 4541206 (VCV004541206.1).

ClinVar aggregate classification (germline): Uncertain significance (1 of 4 stars; one submission).

Submission:

Mayo Clinic Laboratories, Mayo Clinic
Classification: Uncertain significance. Last evaluated: 2025-10-03. Review status: criteria provided, single submitter. Criteria: ACMG Guidelines, 2015. Collection method: clinical testing. Allele origin: germline. Observed: 1 variant allele.
Comment: BP4_moderate, PM2_supporting